The following is an entry in ClinVar:

NM_022437.3(ABCG8):c.1351C>T (p.Leu451Phe)

Gene: ABCG8 (ATP binding cassette subfamily G member 8; plus strand). Cytogenetic location: 2p21.
Variant type: single nucleotide variant.
Coding change: c.1351C>T on transcript NM_022437.3 (MANE Select); coding-DNA position 1351, C replaced by T.
Protein change: p.Leu451Phe; replaces leucine 451 with phenylalanine.
Molecular consequence: missense variant.
Genome position (GRCh38, 1-based): chr2:43,873,926, C>T. VCF-style: chr2-43873926-C-T. GRCh37 (hg19) VCF-style: chr2-44101065-C-T.
Other names: c.1348C>T, p.Leu450Phe (NM_001357321.2); short protein forms L450F, L451F.
Identifiers: ClinVar variation 4842686 (VCV004842686.1).

ClinVar aggregate classification (germline): Uncertain significance (1 of 4 stars; one submission).

Conditions:
Cardiovascular phenotype. Identifiers: MedGen CN230736.

gnomAD v4.1: 13 of 1,614,154 alleles (0.00081%); highest among the groups gnomAD compares: Non-Finnish European, 0.0011%; no homozygotes.

Submission:

Ambry Genetics
Classification: Uncertain significance for Cardiovascular phenotype. Last evaluated: 2025-12-26. Review status: criteria provided, single submitter. Criteria: Ambry Variant Classification Scheme 2023. Collection method: clinical testing. Allele origin: germline.
Comment: The p.L451F variant (also known as c.1351C>T), located in coding exon 9 of the ABCG8 gene, results from a C to T substitution at nucleotide position 1351. The leucine at codon 451 is replaced by phenylalanine, an amino acid with highly similar properties. This amino acid position is conserved. In addition, the in silico prediction for this alteration is inconclusive. Based on the available evidence, the clinical significance of this variant remains unclear.